The following is an entry in ClinVar:

ClinVar aggregate classification (germline): Benign (1 of 4 stars; one submission).

Allele frequency attached by ClinVar (database versions not stated): gnomAD exomes 0.00001; TOPMed 0.00015; gnomAD 0.00021.
gnomAD v4.1: 35 of 398,310 alleles (0.0088%); highest among the groups gnomAD compares: Admixed American, 0.15%; no homozygotes.

Submission:

CeGaT Center for Human Genetics Tuebingen
Classification: Benign. Last evaluated: 2026-05-01. Review status: criteria provided, single submitter. Criteria: CeGaT Center For Human Genetics Tuebingen Variant Classification Criteria Version 2. Collection method: clinical testing. Allele origin: germline. Affected: yes. Observed: 2 variant alleles.
Comment: KCNQ1OT1: BS1, BS2

NM_000218.3(KCNQ1):c.1394-29303T>C

Genes: KCNQ1 (potassium voltage-gated channel subfamily Q member 1; plus strand), KCNQ1OT1 (KCNQ1 opposite strand/antisense transcript 1; minus strand). Cytogenetic location: 11p15.5.
Variant type: single nucleotide variant.
Coding change: c.1394-29303T>C on transcript NM_000218.3 (MANE Select); 29303 bases into the intron before coding-DNA position 1394, T replaced by C.
Molecular consequence: intron variant. On other transcripts: non-coding transcript variant (1).
Genome position (GRCh38, 1-based): chr11:2,632,658, T>C. VCF-style: chr11-2632658-T-C. GRCh37 (hg19) VCF-style: chr11-2653888-T-C.
Other names: c.1124-29303T>C (NM_001406837.1); c.1298-29303T>C (NM_001406836.1); c.854-29303T>C (NM_001406838.1); c.1013-29303T>C (NM_181798.2).
Identifiers: ClinVar variation 3067515 (VCV003067515.21), dbSNP rs964957887, ClinGen allele CA216146553.